The following is an entry in ClinVar:

ClinVar aggregate classification (germline): Conflicting classifications of pathogenicity. Review status: criteria provided, conflicting classifications (1 of 4 stars). 2 submissions from 2 submitters: Uncertain significance (1); Likely benign (1). Last evaluated 2024-12-31.

Conditions:
DICER1-related tumor predisposition. Also called: DICER1-related pleuropulmonary blastoma cancer predisposition syndrome; DICER1 syndrome. Identifiers: Orphanet 284343, MedGen C3839822, MONDO:0100216.
Hereditary cancer-predisposing syndrome. Also called: Neoplastic Syndromes, Hereditary; Hereditary Cancer Syndrome; Hereditary neoplastic syndrome; Tumor predisposition. Identifiers: Orphanet 140162, MedGen C0027672, MeSH D009386, MONDO:0015356.

Submissions (2):

Labcorp Genetics (formerly Invitae), Labcorp
Classification: Uncertain significance for DICER1-related tumor predisposition. Last evaluated: 2024-12-31. Review status: criteria provided, single submitter. Criteria: Invitae Variant Classification Sherloc (09022015). Collection method: clinical testing. Allele origin: germline.
Comment: This sequence change replaces valine, which is neutral and non-polar, with leucine, which is neutral and non-polar, at codon 255 of the DICER1 protein (p.Val255Leu). This variant is not present in population databases (gnomAD no frequency). This variant has not been reported in the literature in individuals affected with DICER1-related conditions. ClinVar contains an entry for this variant (Variation ID: 827168). Invitae Evidence Modeling of protein sequence and biophysical properties (such as structural, functional, and spatial information, amino acid conservation, physicochemical variation, residue mobility, and thermodynamic stability) indicates that this missense variant is not expected to disrupt DICER1 protein function with a negative predictive value of 95%. In summary, the available evidence is currently insufficient to determine the role of this variant in disease. Therefore, it has been classified as a Variant of Uncertain Significance.

Ambry Genetics
Classification: Likely benign for Hereditary cancer-predisposing syndrome. Last evaluated: 2024-08-01. Review status: criteria provided, single submitter. Criteria: Ambry Variant Classification Scheme 2023. Collection method: clinical testing. Allele origin: germline.

NM_177438.3(DICER1):c.763G>T (p.Val255Leu)

Gene: DICER1 (dicer 1, ribonuclease III; minus strand). Cytogenetic location: 14q32.13.
Variant type: single nucleotide variant.
Coding change: c.763G>T on transcript NM_177438.3 (MANE Select); coding-DNA position 763, G replaced by T.
Protein change: p.Val255Leu; replaces valine 255 with leucine.
Molecular consequence: missense variant.
Genome position (GRCh38, 1-based): chr14:95,126,720, C>A on the plus strand (G>T on the coding strand, the complement: DICER1 is on the minus strand). VCF-style: chr14-95126720-C-A. GRCh37 (hg19) VCF-style: chr14-95593057-C-A.
Other names: c.763G>T, p.Val255Leu (NM_001195573.1, NM_001271282.3, NM_001291628.2 and 1 more transcripts); short protein forms V255L.
Identifiers: ClinVar variation 827168 (VCV000827168.12), dbSNP rs1595448248, ClinGen allele CA390887880.